The following is an entry in ClinVar:

ClinVar aggregate classification (germline): Uncertain significance (1 of 4 stars; one submission).

Conditions:
Distal hereditary motor neuropathy type 2. Identifiers: Orphanet 139525, MedGen C3711384, MeSH C580044, MONDO:0015352.

gnomAD v4.1: 6 of 1,598,208 alleles (0.00038%); highest among the groups gnomAD compares: East Asian, 0.0023%; no homozygotes.

Submission:

Labcorp Genetics (formerly Invitae), Labcorp
Classification: Uncertain significance for Distal hereditary motor neuropathy type 2. Last evaluated: 2026-01-11. Review status: criteria provided, single submitter. Criteria: Invitae Variant Classification Sherloc (09022015). Collection method: clinical testing. Allele origin: germline.
Comment: This sequence change replaces arginine, which is basic and polar, with cysteine, which is neutral and slightly polar, at codon 465 of the FBXO38 protein (p.Arg465Cys). This variant is present in population databases (rs764491940, gnomAD 0.002%). This variant has not been reported in the literature in individuals affected with FBXO38-related conditions. ClinVar contains an entry for this variant (Variation ID: 3689921). Invitae Evidence Modeling of protein sequence and biophysical properties (such as structural, functional, and spatial information, amino acid conservation, physicochemical variation, residue mobility, and thermodynamic stability) has been performed for this missense variant. However, the output from this modeling did not meet the statistical confidence thresholds required to predict the impact of this variant on FBXO38 protein function. In summary, the available evidence is currently insufficient to determine the role of this variant in disease. Therefore, it has been classified as a Variant of Uncertain Significance.

NM_205836.3(FBXO38):c.1393C>T (p.Arg465Cys)

Gene: FBXO38 (F-box protein 38; plus strand). Cytogenetic location: 5q32.
Variant type: single nucleotide variant.
Coding change: c.1393C>T on transcript NM_205836.3 (MANE Select); coding-DNA position 1393, C replaced by T.
Protein change: p.Arg465Cys; replaces arginine 465 with cysteine.
Molecular consequence: missense variant.
Genome position (GRCh38, 1-based): chr5:148,416,056, C>T. VCF-style: chr5-148416056-C-T. GRCh37 (hg19) VCF-style: chr5-147795619-C-T.
Other names: c.1393C>T, p.Arg465Cys (NM_001271723.2, NM_030793.5); short protein forms R465C.
Identifiers: ClinVar variation 3689921 (VCV003689921.2).